The following is an entry in ClinVar:

NM_004336.5(BUB1):c.2744A>G (p.His915Arg)

Gene: BUB1 (BUB1 mitotic checkpoint serine/threonine kinase; minus strand). Cytogenetic location: 2q13.
Variant type: single nucleotide variant.
Coding change: c.2744A>G on transcript NM_004336.5 (MANE Select); coding-DNA position 2744, A replaced by G.
Protein change: p.His915Arg; replaces histidine 915 with arginine.
Molecular consequence: missense variant. On other transcripts: intron variant (1).
Genome position (GRCh38, 1-based): chr2:110,641,346, T>C on the plus strand (A>G on the coding strand, the complement: BUB1 is on the minus strand). VCF-style: chr2-110641346-T-C. GRCh37 (hg19) VCF-style: chr2-111398923-T-C.
Other names: c.2684A>G, p.His895Arg (NM_001278616.2); c.2626-154A>G (NM_001278617.2); short protein forms H895R, H915R.
Identifiers: ClinVar variation 3483077 (VCV003483077.1).
Genomic context (GRCh38, chr2:110,641,346, plus strand): 5'-TGTTAAAAGCATAACACTTGCCCGTTTCCAAGTATGAAATTGTCTGGTTTAATGTCTCCA[T>C]GAATGATTTCACAGTCATGCACTTGCTCAATCATGTAAAGCATTCTCATAGCAAAAGAGA-3'
Protein context (NP_004327.1, residues 905-925): IEQVHDCEII[His915Arg]GDIKPDNFIL

ClinVar aggregate classification (germline): Uncertain significance (1 of 4 stars; one submission).

Submission:

Ambry Genetics
Classification: Uncertain significance. Last evaluated: 2024-10-17. Review status: criteria provided, single submitter. Criteria: Ambry Variant Classification Scheme 2023. Collection method: clinical testing. Allele origin: germline.
Comment: The p.H915R variant (also known as c.2744A>G), located in coding exon 22 of the BUB1 gene, results from an A to G substitution at nucleotide position 2744. The histidine at codon 915 is replaced by arginine, an amino acid with highly similar properties. This amino acid position is conserved. In addition, this alteration is predicted to be deleterious by in silico analysis. Based on the available evidence, the clinical significance of this variant remains unclear.